The following is an entry in ClinVar:

NM_058195.4(CDKN2A):c.101G>T (p.Trp34Leu)

Gene: CDKN2A (cyclin dependent kinase inhibitor 2A; minus strand). Cytogenetic location: 9p21.3.
Variant type: single nucleotide variant.
Coding change: c.101G>T on transcript NM_058195.4 (MANE Plus Clinical); coding-DNA position 101, G replaced by T.
Protein change: p.Trp34Leu; replaces tryptophan 34 with leucine.
Molecular consequence: missense variant. On other transcripts: intron variant (1).
Genome position (GRCh38, 1-based): chr9:21,994,231, C>A on the plus strand (G>T on the coding strand, the complement: CDKN2A is on the minus strand). VCF-style: chr9-21994231-C-A. GRCh37 (hg19) VCF-style: chr9-21994230-C-A.
Other names: c.-4+590G>T (NM_001363763.2); short protein forms W34L.
Identifiers: ClinVar variation 1756455 (VCV001756455.3), dbSNP rs2489327475, ClinGen allele CA373086946.

ClinVar aggregate classification (germline): Uncertain significance (1 of 4 stars; one submission).

Conditions:
Hereditary cancer-predisposing syndrome. Also called: Hereditary neoplastic syndrome; Neoplastic Syndromes, Hereditary; Tumor predisposition; Hereditary Cancer Syndrome. Identifiers: Orphanet 140162, MedGen C0027672, MeSH D009386, MONDO:0015356.

Submission:

Ambry Genetics
Classification: Uncertain significance for Hereditary cancer-predisposing syndrome. Last evaluated: 2024-09-16. Review status: criteria provided, single submitter. Criteria: Ambry Variant Classification Scheme 2023. Collection method: clinical testing. Allele origin: germline.
Comment: The p.W34L variant (also known as c.101G>T), located in coding exon 1 of the CDKN2A gene, results from a G to T substitution at nucleotide position 101. The tryptophan at codon 34 is replaced by leucine, an amino acid with similar properties. This amino acid position is not well conserved in available vertebrate species. In addition, this alteration is predicted to be tolerated by in silico analysis. Since supporting evidence is limited at this time, the clinical significance of this alteration remains unclear.